The following is an entry in ClinVar:

ClinVar aggregate classification (germline): Uncertain significance. Review status: criteria provided, multiple submitters, no conflicts (2 of 4 stars). 2 submissions from 2 submitters: Uncertain significance (2). Last evaluated 2024-10-22.

Allele frequency attached by ClinVar (database versions not stated): TOPMed 0.00001; ExAC 0.00002.
gnomAD v4.1: 7 of 1,613,828 alleles (0.00043%); highest among the groups gnomAD compares: East Asian, 0.0022%; no homozygotes.

Submissions (2):

Labcorp Genetics (formerly Invitae), Labcorp
Classification: Uncertain significance. Last evaluated: 2024-10-22. Review status: criteria provided, single submitter. Criteria: Invitae Variant Classification Sherloc (09022015). Collection method: clinical testing. Allele origin: germline.
Comment: This sequence change replaces arginine, which is basic and polar, with glutamine, which is neutral and polar, at codon 1618 of the KIAA1549 protein (p.Arg1618Gln). The frequency data for this variant in the population databases is considered unreliable, as metrics indicate poor data quality at this position in the gnomAD database. This variant has not been reported in the literature in individuals affected with KIAA1549-related conditions. ClinVar contains an entry for this variant (Variation ID: 935073). An algorithm developed to predict the effect of missense changes on protein structure and function (PolyPhen-2) suggests that this variant is likely to be disruptive. In summary, the available evidence is currently insufficient to determine the role of this variant in disease. Therefore, it has been classified as a Variant of Uncertain Significance.

Blueprint Genetics
Classification: Uncertain significance. Last evaluated: 2021-04-21. Review status: criteria provided, single submitter. Criteria: ACMG Guidelines, 2015. Collection method: clinical testing. Allele origin: germline.

NM_001164665.2(KIAA1549):c.4853G>A (p.Arg1618Gln)

Gene: KIAA1549 (KIAA1549; minus strand). Cytogenetic location: 7q34.
Variant type: single nucleotide variant.
Coding change: c.4853G>A on transcript NM_001164665.2 (MANE Select); coding-DNA position 4853, G replaced by A.
Protein change: p.Arg1618Gln; replaces arginine 1618 with glutamine.
Molecular consequence: missense variant.
Genome position (GRCh38, 1-based): chr7:138,868,051, C>T on the plus strand (G>A on the coding strand, the complement: KIAA1549 is on the minus strand). VCF-style: chr7-138868051-C-T. GRCh37 (hg19) VCF-style: chr7-138552797-C-T.
Other names: c.4853G>A, p.Arg1618Gln (NM_020910.3); short protein forms R1618Q.
Identifiers: ClinVar variation 935073 (VCV000935073.10), dbSNP rs371041410, ClinGen allele CA4505733.
Genomic context (GRCh38, chr7:138,868,051, plus strand): 5'-GCTGAGTTGTGGACGCCGGGGGGCCTCCTGTAGGTGCCATCGCTGTCTGTGGTGATGAGC[C>T]GGTCCTTCTCAGCGTCGGCAGGACAGCCGTTGACCTGGTGTTTCCGGCGAGGCTTGGGAG-3'
Protein context (NP_001158137.1, residues 1608-1628): NGCPADAEKD[Arg1618Gln]LITTDSDGTY